The following is an entry in ClinVar:

ClinVar aggregate classification (germline): Uncertain significance (1 of 4 stars; one submission).

Conditions:
Levy-Hollister syndrome (LADD). Also called: LADD syndrome. Identifiers: Orphanet 2363, MedGen C0265269, MONDO:0007872.

gnomAD v4.1: 1 of 1,614,186 alleles (0.000062%); highest among the groups gnomAD compares: Non-Finnish European, 0.000085%; no homozygotes.

Submission:

Centre for Mendelian Genomics, University Medical Centre Ljubljana
Classification: Uncertain significance for LADD syndrome 1. Last evaluated: 2019-09-06. Review status: criteria provided, single submitter. Criteria: ACMG Guidelines, 2015. Collection method: clinical testing. Allele origin: unknown. Affected: yes.
Comment: This variant was classified as: Uncertain significance. The available evidence on this variant's pathogenicity is insufficient or conflicting. The following ACMG criteria were applied in classifying this variant: PM2,BP4.

NM_004465.2(FGF10):c.116C>A (p.Ala39Asp)

Gene: FGF10 (fibroblast growth factor 10; minus strand). Cytogenetic location: 5p12.
Variant type: single nucleotide variant.
Coding change: c.116C>A on transcript NM_004465.2 (MANE Select); coding-DNA position 116, C replaced by A.
Protein change: p.Ala39Asp; replaces alanine 39 with aspartic acid.
Molecular consequence: missense variant.
Genome position (GRCh38, 1-based): chr5:44,388,567, G>T on the plus strand (C>A on the coding strand, the complement: FGF10 is on the minus strand). VCF-style: chr5-44388567-G-T. GRCh37 (hg19) VCF-style: chr5-44388669-G-T.
Other names: short protein forms A39D.
Identifiers: ClinVar variation 930542 (VCV000930542.3), dbSNP rs201790067, ClinGen allele CA359699629.